The following is an entry in ClinVar:

NM_000053.4(ATP7B):c.4179G>T (p.Lys1393Asn)

Gene: ATP7B (ATPase copper transporting beta; minus strand). Cytogenetic location: 13q14.3.
Variant type: single nucleotide variant.
Coding change: c.4179G>T on transcript NM_000053.4 (MANE Select); coding-DNA position 4179, G replaced by T.
Protein change: p.Lys1393Asn; replaces lysine 1393 with asparagine.
Molecular consequence: missense variant.
Genome position (GRCh38, 1-based): chr13:51,934,975, C>A on the plus strand (G>T on the coding strand, the complement: ATP7B is on the minus strand). VCF-style: chr13-51934975-C-A. GRCh37 (hg19) VCF-style: chr13-52509111-C-A.
Other names: c.3558G>T, p.Lys1186Asn (NM_001005918.3); c.3846G>T, p.Lys1282Asn (NM_001243182.2); c.3945G>T, p.Lys1315Asn (NM_001330578.2, NM_001406527.1, NM_001406528.1); c.3927G>T, p.Lys1309Asn (NM_001330579.2, NM_001406531.1, NM_001406532.1); c.4179G>T, p.Lys1393Asn (NM_001406511.1, NM_001406512.1); c.4173G>T, p.Lys1391Asn (NM_001406513.1); c.4146G>T, p.Lys1382Asn (NM_001406514.1); c.4125G>T, p.Lys1375Asn (NM_001406515.1, NM_001406516.1); and 21 more; short protein forms K1166N, K1199N, K1250N, K1280N, K1361N, K1375N, K963N, K1229N.
Identifiers: ClinVar variation 3807618 (VCV003807618.1).

ClinVar aggregate classification (germline): Uncertain significance (1 of 4 stars; one submission).

Conditions:
Inborn genetic diseases. Identifiers: MedGen C0950123, MeSH D030342.

Submission:

Ambry Genetics
Classification: Uncertain significance for Inborn genetic diseases. Last evaluated: 2025-01-21. Review status: criteria provided, single submitter. Criteria: Ambry Variant Classification Scheme 2023. Collection method: clinical testing. Allele origin: germline.
Comment: The p.K1393N variant (also known as c.4179G>T), located in coding exon 21 of the ATP7B gene, results from a G to T substitution at nucleotide position 4179. The lysine at codon 1393 is replaced by asparagine, an amino acid with similar properties. This amino acid position is conserved. In addition, this alteration is predicted to be tolerated by in silico analysis. Based on the available evidence, the clinical significance of this variant remains unclear.